The following is an entry in ClinVar:

ClinVar aggregate classification (germline): Uncertain significance (1 of 4 stars; one submission).

Conditions:
Hypertrophic cardiomyopathy 1 (CMH1). Also called: Familial hypertrophic cardiomyopathy 1; MYH7-Related Familial Hypertrophic Cardiomyopathy. Identifiers: MedGen C3495498, MONDO:0008647, OMIM 192600.

Submission:

Labcorp Genetics (formerly Invitae), Labcorp
Classification: Uncertain significance for Hypertrophic cardiomyopathy 1. Last evaluated: 2021-03-23. Review status: criteria provided, single submitter. Criteria: Invitae Variant Classification Sherloc (09022015). Collection method: clinical testing. Allele origin: germline.
Comment: Experimental studies and prediction algorithms are not available or were not evaluated, and the functional significance of this variant is currently unknown. This variant, c.514_603del, results in the deletion of 30 amino acid(s) of the MYLK2 protein (p.Ser172_Ala201del), but otherwise preserves the integrity of the reading frame. This variant is not present in population databases (ExAC no frequency). This variant has not been reported in the literature in individuals with MYLK2-related conditions. In summary, the available evidence is currently insufficient to determine the role of this variant in disease. Therefore, it has been classified as a Variant of Uncertain Significance.

NM_033118.4(MYLK2):c.514_603del (p.Ser172_Ala201del)

Gene: MYLK2 (myosin light chain kinase 2; plus strand). Cytogenetic location: 20q11.21.
Variant type: Deletion.
Coding change: c.514_603del on transcript NM_033118.4 (MANE Select); coding-DNA positions 514 to 603, 90 bases deleted.
Protein change: p.Ser172_Ala201del.
Molecular consequence: inframe deletion.
Genome position (GRCh38, 1-based): chr20:31,821,479-31,821,568, 90 bases deleted. GRCh37 (hg19): chr20:30,409,282-30,409,371.
Identifiers: ClinVar variation 1366901 (VCV001366901.8), dbSNP rs2123127709, ClinGen allele CA1016908055.